The following is an entry in ClinVar:

ClinVar aggregate classification (germline): Uncertain significance. Review status: criteria provided, multiple submitters, no conflicts (2 of 4 stars). 2 submissions from 2 submitters: Uncertain significance (2). Last evaluated 2022-01-18.

Conditions:
Rafiq syndrome (RAFQS). Identifiers: Orphanet 88616, MedGen C3280127, MONDO:0013624, OMIM 614202.
Inborn genetic diseases. Identifiers: MedGen C0950123, MeSH D030342.

Allele frequency attached by ClinVar (database versions not stated): gnomAD exomes 0.00005; gnomAD 0.00007; ExAC 0.00008; ESP Exome Variant Server 0.00008; TOPMed 0.00014.
gnomAD v4.1: 83 of 1,613,102 alleles (0.0051%); highest among the groups gnomAD compares: Middle Eastern, 0.066%; no homozygotes.

Submissions (2):

Labcorp Genetics (formerly Invitae), Labcorp
Classification: Uncertain significance for Rafiq syndrome. Last evaluated: 2022-01-18. Review status: criteria provided, single submitter. Criteria: Invitae Variant Classification Sherloc (09022015). Collection method: clinical testing. Allele origin: germline.
Comment: This sequence change replaces glycine, which is neutral and non-polar, with serine, which is neutral and polar, at codon 540 of the MAN1B1 protein (p.Gly540Ser). This variant is present in population databases (rs370134279, gnomAD 0.05%). This variant has not been reported in the literature in individuals affected with MAN1B1-related conditions. Algorithms developed to predict the effect of missense changes on protein structure and function are either unavailable or do not agree on the potential impact of this missense change (SIFT: "Deleterious"; PolyPhen-2: "Probably Damaging"; Align-GVGD: "Class C0"). Algorithms developed to predict the effect of sequence changes on RNA splicing suggest that this variant may create or strengthen a splice site. In summary, the available evidence is currently insufficient to determine the role of this variant in disease. Therefore, it has been classified as a Variant of Uncertain Significance.

Ambry Genetics
Classification: Uncertain significance for Inborn genetic diseases. Last evaluated: 2019-05-21. Review status: criteria provided, single submitter. Criteria: Ambry Variant Classification Scheme 2023. Collection method: clinical testing. Allele origin: germline.
Comment: The p.G540S variant (also known as c.1618G>A), located in coding exon 11 of the MAN1B1 gene, results from a G to A substitution at nucleotide position 1618. The glycine at codon 540 is replaced by serine, an amino acid with similar properties. This amino acid position is highly conserved in available vertebrate species. In addition, the in silico prediction for this alteration is inconclusive. Since supporting evidence is limited at this time, the clinical significance of this alteration remains unclear.

NM_016219.5(MAN1B1):c.1618G>A (p.Gly540Ser)

Gene: MAN1B1 (mannosidase alpha class 1B member 1; plus strand). Cytogenetic location: 9q34.3.
Variant type: single nucleotide variant.
Coding change: c.1618G>A on transcript NM_016219.5 (MANE Select); coding-DNA position 1618, G replaced by A.
Protein change: p.Gly540Ser; replaces glycine 540 with serine.
Molecular consequence: missense variant. On other transcripts: non-coding transcript variant (2).
Genome position (GRCh38, 1-based): chr9:137,107,301, G>A. VCF-style: chr9-137107301-G-A. GRCh37 (hg19) VCF-style: chr9-140001753-G-A.
Other names: c.1510G>A, p.Gly504Ser (NM_007230.1); short protein forms G504S, G540S.
Identifiers: ClinVar variation 1776544 (VCV001776544.4), dbSNP rs370134279, ClinGen allele CA5359312.